The following is an entry in ClinVar:

NM_001291303.3(FAT4):c.8461A>G (p.Thr2821Ala)

Gene: FAT4 (FAT atypical cadherin 4; plus strand). Cytogenetic location: 4q28.1.
Variant type: single nucleotide variant.
Coding change: c.8461A>G on transcript NM_001291303.3 (MANE Select); coding-DNA position 8461, A replaced by G.
Protein change: p.Thr2821Ala; replaces threonine 2821 with alanine.
Molecular consequence: missense variant.
Genome position (GRCh38, 1-based): chr4:125,449,471, A>G. VCF-style: chr4-125449471-A-G. GRCh37 (hg19) VCF-style: chr4-126370626-A-G.
Other names: c.8461A>G, p.Thr2821Ala (NM_001291285.3); c.8455A>G, p.Thr2819Ala (NM_024582.6); short protein forms T2819A, T2821A.
Identifiers: ClinVar variation 1329818 (VCV001329818.2), dbSNP rs768020749, ClinGen allele CA3073380.
Genomic context (GRCh38, chr4:125,449,471, plus strand): 5'-GAAGACATTGGGATCAATGCAATTAGTAGATATTCTATAATGGATGCAAGTCTTCCATTT[A>G]CAATTAATCCCAGCACAGGGGATATTGTCATAAGCAGACCTTTAAATAGGGAAGATACAG-3'
Protein context (NP_001278232.1, residues 2811-2831): YSIMDASLPF[Thr2821Ala]INPSTGDIVI

ClinVar aggregate classification (germline): Uncertain significance (1 of 4 stars; one submission).

Allele frequency attached by ClinVar (database versions not stated): gnomAD exomes below 0.00001 and 0.00001; gnomAD 0.00001; ExAC 0.00002.
gnomAD v4.1: 4 of 1,613,740 alleles (0.00025%); highest among the groups gnomAD compares: Admixed American, 0.005%; no homozygotes.

Submission:

GeneDx
Classification: Uncertain significance. Last evaluated: 2021-06-23. Review status: criteria provided, single submitter. Criteria: GeneDx Variant Classification Process June 2021. Collection method: clinical testing. Allele origin: germline. Affected: yes.
Comment: Not observed at significant frequency in large population cohorts (Lek et al., 2016); In silico analysis supports that this missense variant does not alter protein structure/function; Has not been previously published as pathogenic or benign to our knowledge; This variant is associated with the following publications: (PMID: 27535533, 24913602)